The following is an entry in ClinVar:

ClinVar aggregate classification (germline): Conflicting classifications of pathogenicity. Review status: criteria provided, conflicting classifications (1 of 4 stars). 4 submissions from 4 submitters: Uncertain significance (3); Likely benign (1). Last evaluated 2025-12-04.

Conditions:
Inborn genetic diseases. Identifiers: MedGen C0950123, MeSH D030342.
Episodic ataxia type 2 (EA2). Also called: ATAXIA, EPISODIC, WITH NYSTAGMUS; ATAXIA, FAMILIAL PAROXYSMAL; CEREBELLAR ATAXIA, PAROXYSMAL, ACETAZOLAMIDE-RESPONSIVE; CEREBELLOPATHY, HEREDITARY PAROXYSMAL; ACETAZOLAMIDE-RESPONSIVE HEREDITARY PAROXYSMAL CEREBELLAR ATAXIA; EPISODIC ATAXIA, NYSTAGMUS-ASSOCIATED. Identifiers: Orphanet 97, MedGen C1720416, MONDO:0007163, OMIM 108500.
Developmental and epileptic encephalopathy, 42 (DEE42A). Also called: DEVELOPMENTAL AND EPILEPTIC ENCEPHALOPATHY 42A; EPILEPTIC ENCEPHALOPATHY, EARLY INFANTILE, 42A; Epileptic encephalopathy, early infantile, 42. Identifiers: MedGen C4310716, MONDO:0014917, OMIM 617106.

Allele frequency attached by ClinVar (database versions not stated): TOPMed 0.00014; 1000 Genomes Project 30x 0.00016.
gnomAD v4.1: 21 of 1,476,744 alleles (0.0014%); highest among the groups gnomAD compares: African/African-American, 0.03%; no homozygotes.

Submissions (4):

Ambry Genetics
Classification: Uncertain significance for Inborn genetic diseases. Last evaluated: 2025-12-04. Review status: criteria provided, single submitter. Criteria: Ambry Variant Classification Scheme 2023. Collection method: clinical testing. Allele origin: germline.

Labcorp Genetics (formerly Invitae), Labcorp
Classification: Likely benign for Developmental and epileptic encephalopathy, 42; Episodic ataxia type 2. Last evaluated: 2025-11-05. Review status: criteria provided, single submitter. Criteria: Invitae Variant Classification Sherloc (09022015). Collection method: clinical testing. Allele origin: germline.

GeneDx
Classification: Uncertain significance. Last evaluated: 2024-04-07. Review status: criteria provided, single submitter. Criteria: GeneDx Variant Classification Process June 2021. Collection method: clinical testing. Allele origin: germline. Affected: yes.
Comment: In silico analysis indicates that this missense variant does not alter protein structure/function; Has not been previously published as pathogenic or benign to our knowledge; This variant is associated with the following publications: (PMID: 35052368)

Women's Health and Genetics/Laboratory Corporation of America, LabCorp
Classification: Uncertain significance. Last evaluated: 2024-02-09. Review status: criteria provided, single submitter. Criteria: LabCorp Variant Classification Summary - May 2015. Collection method: clinical testing. Allele origin: germline.
Comment: Variant summary: CACNA1A c.2963G>C (p.Arg988Pro) results in a non-conservative amino acid change in the encoded protein sequence. Three of five in-silico tools predict a benign effect of the variant on protein function. The variant allele was found at a frequency of 1.4e-05 in 1476744 control chromosomes (gnomAD). To our knowledge, no occurrence of c.2963G>C in individuals affected with Epileptic Encephalopathy, Early Infantile, 42 and no experimental evidence demonstrating its impact on protein function have been reported. ClinVar contains an entry for this variant (Variation ID: 387025). Based on the evidence outlined above, the variant was classified as uncertain significance.

NM_001127222.2(CACNA1A):c.2960G>C (p.Arg987Pro)

Gene: CACNA1A (calcium voltage-gated channel subunit alpha1 A; minus strand). Cytogenetic location: 19p13.13.
Variant type: single nucleotide variant.
Coding change: c.2960G>C on transcript NM_001127222.2 (MANE Select); coding-DNA position 2960, G replaced by C.
Protein change: p.Arg987Pro; replaces arginine 987 with proline.
Molecular consequence: missense variant.
Genome position (GRCh38, 1-based): chr19:13,298,673, C>G on the plus strand (G>C on the coding strand, the complement: CACNA1A is on the minus strand). VCF-style: chr19-13298673-C-G. GRCh37 (hg19) VCF-style: chr19-13409487-C-G.
Other names: c.2972G>C, p.Arg991Pro (NM_000068.4, NM_023035.3); c.2963G>C, p.Arg988Pro (NM_001127221.2, NM_001174080.2); short protein forms R988P, R987P, R991P.
Identifiers: ClinVar variation 387025 (VCV000387025.16), dbSNP rs955869211, ClinGen allele CA16608158.